The following is an entry in ClinVar:

NM_001034853.2(RPGR):c.3022G>A (p.Glu1008Lys)

Gene: RPGR (retinitis pigmentosa GTPase regulator; minus strand). Cytogenetic location: Xp11.4.
Variant type: single nucleotide variant.
Coding change: c.3022G>A on transcript NM_001034853.2 (MANE Select); coding-DNA position 3022, G replaced by A.
Protein change: p.Glu1008Lys; replaces glutamic acid 1008 with lysine.
Molecular consequence: missense variant. On other transcripts: intron variant (8).
Genome position (GRCh38, 1-based): chrX:38,285,977, C>T on the plus strand (G>A on the coding strand, the complement: RPGR is on the minus strand). VCF-style: chrX-38285977-C-T. GRCh37 (hg19) VCF-style: chrX-38145230-C-T.
Other names: c.1569+4982G>A (NM_001367249.1, NM_001367250.1); c.1902+1117G>A (NM_001367245.1); c.1386+4982G>A (NM_001367251.1); c.1719+1117G>A (NM_001367246.1); c.1572+4982G>A (NM_001367247.1); c.1905+1117G>A (NM_000328.3); c.1602+4982G>A (NM_001367248.1); short protein forms E1008K.
Identifiers: ClinVar variation 2150739 (VCV002150739.5), dbSNP rs1481259687, ClinGen allele CA412729195.

ClinVar aggregate classification (germline): Uncertain significance. Review status: criteria provided, multiple submitters, no conflicts (2 of 4 stars). 2 submissions from 2 submitters: Uncertain significance (2). Last evaluated 2025-10-15.

Conditions:
Primary ciliary dyskinesia. Also called: Ciliary dyskinesia. Identifiers: Orphanet 244, MedGen C0008780, MONDO:0016575, HP:0012265.

Allele frequency attached by ClinVar (database versions not stated): gnomAD exomes below 0.00001.
gnomAD v4.1: 4 of 1,090,202 alleles (0.00037%); highest among the groups gnomAD compares: Admixed American, 0.011%; no homozygotes.

Submissions (2):

Labcorp Genetics (formerly Invitae), Labcorp
Classification: Uncertain significance for Primary ciliary dyskinesia. Last evaluated: 2025-10-15. Review status: criteria provided, single submitter. Criteria: Invitae Variant Classification Sherloc (09022015). Collection method: clinical testing. Allele origin: germline.
Comment: This sequence change replaces glutamic acid, which is acidic and polar, with lysine, which is basic and polar, at codon 1008 of the RPGR (ORF15) protein (p.Glu1008Lys). The frequency data for this variant in the population databases is considered unreliable, as metrics indicate poor data quality at this position in the gnomAD database. This variant has not been reported in the literature in individuals affected with RPGR (ORF15)-related conditions. ClinVar contains an entry for this variant (Variation ID: 2150739). Invitae Evidence Modeling of protein sequence and biophysical properties (such as structural, functional, and spatial information, amino acid conservation, physicochemical variation, residue mobility, and thermodynamic stability) indicates that this missense variant is not expected to disrupt RPGR (ORF15) protein function with a negative predictive value of 95%. In summary, the available evidence is currently insufficient to determine the role of this variant in disease. Therefore, it has been classified as a Variant of Uncertain Significance.

Blueprint Genetics
Classification: Uncertain significance. Last evaluated: 2024-04-09. Review status: criteria provided, single submitter. Criteria: ACMG Guidelines, 2015. Collection method: clinical testing. Allele origin: germline.